The following is an entry in ClinVar:

NM_001267550.2(TTN):c.16808T>G (p.Leu5603Arg)

Genes: TTN (titin; minus strand), LOC126806431 (CDK7 strongly-dependent group 2 enhancer GRCh37_chr2:179595719-179596918; plus strand). Cytogenetic location: 2q31.2.
Variant type: single nucleotide variant.
Coding change: c.16808T>G on transcript NM_001267550.2 (MANE Select); coding-DNA position 16808, T replaced by G.
Protein change: p.Leu5603Arg; replaces leucine 5603 with arginine.
Molecular consequence: missense variant. On other transcripts: intron variant (3).
Genome position (GRCh38, 1-based): chr2:178,732,161, A>C on the plus strand (T>G on the coding strand, the complement: TTN is on the minus strand). VCF-style: chr2-178732161-A-C. GRCh37 (hg19) VCF-style: chr2-179596888-A-C.
Other names: c.15857T>G, p.Leu5286Arg (NM_001256850.1); c.13076T>G, p.Leu4359Arg (NM_133378.4); c.13282+5921T>G (NM_003319.4); c.13858+5921T>G (NM_133437.4); c.13657+5921T>G (NM_133432.3); short protein forms L4359R, L5286R, L5603R.
Identifiers: ClinVar variation 3367776 (VCV003367776.1).

ClinVar aggregate classification (germline): Uncertain significance (1 of 4 stars; one submission).

gnomAD v4.1: 11 of 1,613,664 alleles (0.00068%); highest among the groups gnomAD compares: Non-Finnish European, 0.00093%; no homozygotes.

Submission:

GeneDx
Classification: Uncertain significance. Last evaluated: 2024-01-10. Review status: criteria provided, single submitter. Criteria: GeneDx Variant Classification Process June 2021. Collection method: clinical testing. Allele origin: germline. Affected: yes.
Comment: Not observed at significant frequency in large population cohorts (gnomAD); Missense variant in a gene in which most reported pathogenic variants are truncating/loss of function; Has not been previously published as pathogenic or benign to our knowledge